The following is an entry in ClinVar:

NM_007294.4(BRCA1):c.5035_5042del (p.Asn1678_Leu1679insTer)

Gene: BRCA1 (BRCA1 DNA repair associated; minus strand). Cytogenetic location: 17q21.31.
Variant type: Deletion.
Coding change: c.5035_5042del on transcript NM_007294.4 (MANE Select); coding-DNA positions 5035 to 5042, 8 bases deleted (CTAATTAC; older notation c.5035_5042delCTAATTAC).
Protein change: p.Asn1678_Leu1679insTer.
Molecular consequence: nonsense. On other transcripts: intron variant (1).
Genome position (GRCh38, 1-based): chr17:43,067,640-43,067,647, GTAATTAG deleted on the plus strand (CTAATTAC on the coding strand, the reverse complement: BRCA1 is on the minus strand). VCF-style (leftmost placement, unchanged base first): chr17-43067639-AGTAATTAG-A. GRCh37 (hg19) VCF-style: chr17-41219656-AGTAATTAG-A.
Other names: c.4822_4829del, p.Asn1607_Leu1608insTer (NM_001407571.1, NM_001407894.1, NM_001407895.1 and 12 more transcripts); c.5101_5108del, p.Asn1700_Leu1701insTer (NM_001407581.1, NM_001407582.1); c.5098_5105del, p.Asn1699_Leu1700insTer (NM_001407583.1, NM_001407585.1, NM_001407587.1 and 1 more transcripts); c.5095_5102del, p.Asn1698_Leu1699insTer (NM_001407590.1, NM_001407591.1); c.5035_5042del, p.Asn1678_Leu1679insTer (NM_001407593.1, NM_001407594.1, NM_001407596.1 and 8 more transcripts); c.5032_5039del, p.Asn1677_Leu1678insTer (NM_001407610.1, NM_001407611.1, NM_001407612.1 and 17 more transcripts); c.5029_5036del, p.Asn1676_Leu1677insTer (NM_001407627.1, NM_001407628.1, NM_001407629.1 and 14 more transcripts); c.5026_5033del, p.Asn1675_Leu1676insTer (NM_001407644.1, NM_001407645.1); and 71 more.
Identifiers: ClinVar variation 3711669 (VCV003711669.2).
Genomic context (GRCh38, chr17:43,067,639, plus strand): 5'-AAGGTATTCTGTAAAGGTTCTTGGTATACCTGTTTTCATAACAACATGAGTAGTCTCTTC[AGTAATTAG>A]ATTAGTTAAAGTGATGTGGTGTTTTCTGGCAAACTTGTACACGAGCATCTGAAATTAAAT-3'

ClinVar aggregate classification (germline): Pathogenic (1 of 4 stars; one submission).

Conditions:
Hereditary breast ovarian cancer syndrome. Also called: Hereditary breast and ovarian cancer syndrome; Hereditary breast and/or ovarian cancer syndrome; BRCA1- and BRCA2-Associated Hereditary Breast and Ovarian Cancer; Breast and ovarian cancer; Hereditary breast and ovarian cancer; Hereditary breast and ovarian cancer syndrome (HBOC). Identifiers: Orphanet 145, MedGen C0677776, MeSH D061325, MONDO:0003582. Disease mechanism: loss of function.

Submission:

Labcorp Genetics (formerly Invitae), Labcorp
Classification: Pathogenic for Hereditary breast ovarian cancer syndrome. Last evaluated: 2024-12-19. Review status: criteria provided, single submitter. Criteria: Invitae Variant Classification Sherloc (09022015). Collection method: clinical testing. Allele origin: germline.
Comment: This sequence change creates a premature translational stop signal (p.Leu1679*) in the BRCA1 gene. It is expected to result in an absent or disrupted protein product. Loss-of-function variants in BRCA1 are known to be pathogenic (PMID: 20104584). This variant is not present in population databases (gnomAD no frequency). This premature translational stop signal has been observed in individual(s) with personal and/or family history of breast cancer (PMID: 22752604, 27553291). Algorithms developed to predict the effect of sequence changes on RNA splicing suggest that this variant may disrupt the consensus splice site. For these reasons, this variant has been classified as Pathogenic.

Literature cited by the submitters: PubMed 20104584; PubMed 22752604; PubMed 27553291.